The following is an entry in ClinVar:

NM_018975.4(TERF2IP):c.452A>G (p.Asn151Ser)

Gene: TERF2IP (TERF2 interacting protein; plus strand). Cytogenetic location: 16q23.1.
Variant type: single nucleotide variant.
Coding change: c.452A>G on transcript NM_018975.4 (MANE Select); coding-DNA position 452, A replaced by G.
Protein change: p.Asn151Ser; replaces asparagine 151 with serine.
Molecular consequence: missense variant. On other transcripts: non-coding transcript variant (1).
Genome position (GRCh38, 1-based): chr16:75,648,334, A>G. VCF-style: chr16-75648334-A-G. GRCh37 (hg19) VCF-style: chr16-75682232-A-G.
Other names: short protein forms N151S.
Identifiers: ClinVar variation 1741250 (VCV001741250.2), dbSNP rs2507074275, ClinGen allele CA396817935.
Genomic context (GRCh38, chr16:75,648,334, plus strand): 5'-CCGGGCGGATCGCCTTCACGGATGCGGACGACGTAGCCATCCTTACCTACGTGAAGGAAA[A>G]TGCCCGCTCGCCCAGCTCCGTCACCGGTAACGCCTTGTGGAAAGCGATGGAGAAGAGCTC-3'
Protein context (NP_061848.2, residues 141-161): DVAILTYVKE[Asn151Ser]ARSPSSVTGN

ClinVar aggregate classification (germline): Uncertain significance (1 of 4 stars; one submission).

Submission:

Ambry Genetics
Classification: Uncertain significance. Last evaluated: 2022-08-22. Review status: criteria provided, single submitter. Criteria: Ambry Variant Classification Scheme 2023. Collection method: clinical testing. Allele origin: germline.
Comment: The p.N151S variant (also known as c.452A>G), located in coding exon 1 of the TERF2IP gene, results from an A to G substitution at nucleotide position 452. The asparagine at codon 151 is replaced by serine, an amino acid with highly similar properties. This amino acid position is conserved. In addition, this alteration is predicted to be tolerated by in silico analysis. Since supporting evidence is limited at this time, the clinical significance of this alteration remains unclear.